The following is an entry in ClinVar:

ClinVar aggregate classification (germline): Uncertain significance. Review status: criteria provided, multiple submitters, no conflicts (2 of 4 stars). 4 submissions from 4 submitters: Uncertain significance (4). Last evaluated 2025-07-23.

Conditions:
RYR1-related disorder. Also called: RYR1-related disorders; RYR1-related condition. Identifiers: MedGen CN239331.
Malignant hyperthermia, susceptibility to, 1 (MHS1). Also called: RYR1-Related Malignant Hyperthermia Susceptibility; Anesthesia related hyperthermia; Malignant hyperpyrexia; Fulminating hyperpyrexia; Pharmacogenic myopathy; Malignant hyperthermia suceptibility 1. Identifiers: Orphanet 423, MedGen C2930980, MONDO:0007783, OMIM 145600.

Allele frequency attached by ClinVar (database versions not stated): gnomAD 0.00001; TOPMed 0.00002; gnomAD exomes 0.00003 and 0.00006; ExAC 0.00006.
gnomAD v4.1: 18 of 1,614,046 alleles (0.0011%); highest among the groups gnomAD compares: Admixed American, 0.03%; no homozygotes.

Submissions (4):

Labcorp Genetics (formerly Invitae), Labcorp
Classification: Uncertain significance for RYR1-related disorder. Last evaluated: 2025-07-23. Review status: criteria provided, single submitter. Criteria: Invitae Variant Classification Sherloc (09022015). Collection method: clinical testing. Allele origin: germline.
Comment: This sequence change replaces lysine, which is basic and polar, with arginine, which is basic and polar, at codon 2814 of the RYR1 protein (p.Lys2814Arg). This variant is present in population databases (rs759717284, gnomAD 0.04%). This variant has not been reported in the literature in individuals affected with RYR1-related conditions. ClinVar contains an entry for this variant (Variation ID: 653550). Invitae Evidence Modeling of protein sequence and biophysical properties (such as structural, functional, and spatial information, amino acid conservation, physicochemical variation, residue mobility, and thermodynamic stability) indicates that this missense variant is not expected to disrupt RYR1 protein function with a negative predictive value of 80%. In summary, the available evidence is currently insufficient to determine the role of this variant in disease. Therefore, it has been classified as a Variant of Uncertain Significance.

All of Us Research Program, National Institutes of Health
Classification: Uncertain significance for Malignant hyperthermia, susceptibility to, 1. Last evaluated: 2024-05-30. Review status: criteria provided, single submitter. Criteria: ACMG Guidelines, 2015. Collection method: clinical testing. Allele origin: germline. Inheritance: Autosomal dominant inheritance. Observed: 4 variant alleles, 4 heterozygotes.
Comment: This missense variant replaces lysine with arginine at codon 2814 of the RYR1 protein. Computational prediction is inconclusive regarding the impact of this variant on protein structure and function (internally defined REVEL score threshold 0.5 < inconclusive < 0.7, PMID: 27666373). To our knowledge, functional studies have not been reported for this variant. This variant has not been reported in individuals affected with RYR1-related disorders in the literature. This variant has been identified in 15/251406 chromosomes in the general population by the Genome Aggregation Database (gnomAD). The available evidence is insufficient to determine the role of this variant in disease conclusively. Therefore, this variant is classified as a Variant of Uncertain Significance.

This study involves interpretation of variants in research participants for the purpose of population health screening. Participant phenotype was not available at the time of variant classification. Additional details can be found in publication PMID: 35346344, PMCID: PMC8962531

Color Diagnostics, LLC DBA Color Health
Classification: Uncertain significance for Malignant hyperthermia, susceptibility to, 1. Last evaluated: 2024-05-14. Review status: criteria provided, single submitter. Criteria: ACMG Guidelines, 2015. Collection method: clinical testing. Allele origin: germline.
Comment: This missense variant replaces lysine with arginine at codon 2814 of the RYR1 protein. Computational prediction is inconclusive regarding the impact of this variant on protein structure and function. To our knowledge, functional studies have not been reported for this variant. This variant has not been reported in individuals affected with RYR1-related disorders in the literature. This variant has been identified in 15/251406 chromosomes in the general population by the Genome Aggregation Database (gnomAD). The available evidence is insufficient to determine the role of this variant in disease conclusively. Therefore, this variant is classified as a Variant of Uncertain Significance.

Greenwood Genetic Center Diagnostic Laboratories, Greenwood Genetic Center
Classification: Uncertain significance. Last evaluated: 2023-09-27. Review status: criteria provided, single submitter. Criteria: ACMG Guidelines, 2015. Collection method: clinical testing. Allele origin: germline. Affected: yes.
Comment: PM2

NM_000540.3(RYR1):c.8441A>G (p.Lys2814Arg)

Genes: RYR1 (ryanodine receptor 1; plus strand), LOC126862902 (BRD4-independent group 4 enhancer GRCh37_chr19:38995830-38997029; plus strand). Cytogenetic location: 19q13.2.
Variant type: single nucleotide variant.
Coding change: c.8441A>G on transcript NM_000540.3 (MANE Select); coding-DNA position 8441, A replaced by G.
Protein change: p.Lys2814Arg; replaces lysine 2814 with arginine.
Molecular consequence: missense variant.
Genome position (GRCh38, 1-based): chr19:38,505,846, A>G. VCF-style: chr19-38505846-A-G. GRCh37 (hg19) VCF-style: chr19-38996486-A-G.
Other names: c.8441A>G, p.Lys2814Arg (NM_001042723.2); short protein forms K2814R.
Identifiers: ClinVar variation 653550 (VCV000653550.11), dbSNP rs759717284, ClinGen allele CA072041.